The following is an entry in ClinVar:

NM_000088.4(COL1A1):c.292_298+7del

Gene: COL1A1 (collagen type I alpha 1 chain; minus strand). Cytogenetic location: 17q21.33.
Variant type: Deletion.
Coding change: c.292_298+7del on transcript NM_000088.4 (MANE Select); coding-DNA position 292 through 7 bases into the intron after coding-DNA position 298, 14 bases deleted (GGCTCAGGTGCGGC).
Molecular consequence: splice donor variant.
Genome position (GRCh38, 1-based): chr17:50,199,746-50,199,759, GCCGCACCTGAGCC deleted on the plus strand (GGCTCAGGTGCGGC on the coding strand, the reverse complement: COL1A1 is on the minus strand); deleting any 14 consecutive bases within chr17:50,199,746-50,199,760 gives the same sequence; the c. name uses the placement nearest the transcript's 3' end. VCF-style (leftmost placement, unchanged base first): chr17-50199745-AGCCGCACCTGAGCC-A. GRCh37 (hg19) VCF-style: chr17-48277106-AGCCGCACCTGAGCC-A.
Identifiers: ClinVar variation 4880802 (VCV004880802.2).

ClinVar aggregate classification (germline): Likely pathogenic (1 of 4 stars; one submission).

Submission:

Dasa
Classification: Likely pathogenic. Last evaluated: 2026-04-10. Review status: criteria provided, single submitter. Criteria: DASA Assertion Criteria. Collection method: clinical testing. Allele origin: germline.
Comment: NM_000088.4(COL1A1):c.292_298+7del is a splice-region variant predicted to affect normal RNA splicing. This variant is rare in population databases. Based on the currently available evidence, this variant is classified as likely pathogenic.